The following is an entry in ClinVar:

ClinVar aggregate classification (germline): Uncertain significance (1 of 4 stars; one submission).

Allele frequency attached by ClinVar (database versions not stated): TOPMed below 0.00001; gnomAD exomes 0.00001; gnomAD 0.00004.

Submission:

Labcorp Genetics (formerly Invitae), Labcorp
Classification: Uncertain significance. Last evaluated: 2025-08-11. Review status: criteria provided, single submitter. Criteria: Invitae Variant Classification Sherloc (09022015). Collection method: clinical testing. Allele origin: germline.
Comment: This sequence change creates a premature translational stop signal (p.Cys269Trpfs*5) in the CFHR5 gene. It is expected to result in an absent or disrupted protein product. However, the current clinical and genetic evidence is not sufficient to establish whether loss-of-function variants in CFHR5 cause disease. This variant is present in population databases (rs112327038, gnomAD 0.02%). This variant has not been reported in the literature in individuals affected with CFHR5-related conditions. ClinVar contains an entry for this variant (Variation ID: 2196953). In summary, the available evidence is currently insufficient to determine the role of this variant in disease. Therefore, it has been classified as a Variant of Uncertain Significance.

NM_030787.4(CFHR5):c.804_805del (p.Cys269fs)

Gene: CFHR5 (complement factor H related 5; plus strand). Cytogenetic location: 1q31.3.
Variant type: Deletion.
Coding change: c.804_805del on transcript NM_030787.4 (MANE Select); coding-DNA positions 804 to 805, 2 bases deleted (AT; older notation c.804_805delAT).
Protein change: p.Cys269fs; shifts the reading frame from cysteine 269.
Molecular consequence: frameshift variant.
Genome position (GRCh38, 1-based): chr1:196,996,035-196,996,036, AT deleted. VCF-style (leftmost placement, unchanged base first): chr1-196996034-CAT-C. GRCh37 (hg19) VCF-style: chr1-196965164-CAT-C.
Other names: short protein forms C269fs.
Identifiers: ClinVar variation 2196953 (VCV002196953.4), dbSNP rs112327038, ClinGen allele CA35878547.